The following is an entry in ClinVar:

ClinVar aggregate classification (germline): Uncertain significance (1 of 4 stars; one submission).

gnomAD v4.1: 1 of 1,009,939 alleles (0.000099%); highest among the groups gnomAD compares: Admixed American, 0.0055%; no homozygotes.

Submission:

Women's Health and Genetics/Laboratory Corporation of America, LabCorp
Classification: Uncertain significance. Last evaluated: 2024-09-24. Review status: criteria provided, single submitter. Criteria: LabCorp Variant Classification Summary - May 2015. Collection method: clinical testing. Allele origin: germline.
Comment: Variant summary: LAGE3 c.43G>C (p.Gly15Arg) results in a non-conservative amino acid change in the encoded protein sequence. Four of five in-silico tools predict a benign effect of the variant on protein function. The frequency data for this variant in gnomAD is considered unreliable, as metrics indicate poor data quality at this position. To our knowledge, no occurrence of c.43G>C in individuals affected with Galloway-Mowat Syndrome 2, X-Linked and no experimental evidence demonstrating its impact on protein function have been reported. No submitters have cited clinical-significance assessments for this variant to ClinVar. Based on the evidence outlined above, the variant was classified as uncertain significance.

NM_006014.5(LAGE3):c.43G>C (p.Gly15Arg)

Genes: LAGE3 (L antigen family member 3; minus strand), LOC130068876 (ATAC-STARR-seq lymphoblastoid silent region 21109; plus strand). Cytogenetic location: Xq28.
Variant type: single nucleotide variant.
Coding change: c.43G>C on transcript NM_006014.5 (MANE Select); coding-DNA position 43, G replaced by C.
Protein change: p.Gly15Arg; replaces glycine 15 with arginine.
Molecular consequence: missense variant.
Genome position (GRCh38, 1-based): chrX:154,478,873, C>G on the plus strand (G>C on the coding strand, the complement: LAGE3 is on the minus strand). VCF-style: chrX-154478873-C-G. GRCh37 (hg19) VCF-style: chrX-153707212-C-G.
Other names: short protein forms G15R.
Identifiers: ClinVar variation 3375275 (VCV003375275.1).